The following is an entry in ClinVar:

ClinVar aggregate classification (germline): Uncertain significance (1 of 4 stars; one submission).

Conditions:
Inborn genetic diseases. Identifiers: MedGen C0950123, MeSH D030342.

Submission:

Ambry Genetics
Classification: Uncertain significance for Inborn genetic diseases. Last evaluated: 2026-06-24. Review status: criteria provided, single submitter. Criteria: Ambry Variant Classification Scheme 2023. Collection method: clinical testing. Allele origin: germline.
Comment: The p.E33D variant (also known as c.99A>C), located in coding exon 2 of the FANCA gene, results from an A to C substitution at nucleotide position 99. The glutamic acid at codon 33 is replaced by aspartic acid, an amino acid with highly similar properties. This amino acid position is conserved. In addition, this alteration is predicted to be tolerated by in silico analysis. Based on the available evidence, the clinical significance of this variant remains unclear.

NM_000135.4(FANCA):c.99A>C (p.Glu33Asp)

Gene: FANCA (FA complementation group A; minus strand). Cytogenetic location: 16q24.3.
Variant type: single nucleotide variant.
Coding change: c.99A>C on transcript NM_000135.4 (MANE Select); coding-DNA position 99, A replaced by C.
Protein change: p.Glu33Asp; replaces glutamic acid 33 with aspartic acid.
Molecular consequence: missense variant.
Genome position (GRCh38, 1-based): chr16:89,815,967, T>G on the plus strand (A>C on the coding strand, the complement: FANCA is on the minus strand). VCF-style: chr16-89815967-T-G. GRCh37 (hg19) VCF-style: chr16-89882375-T-G.
Other names: c.99A>C, p.Glu33Asp (NM_001018112.3, NM_001286167.3, NM_001351830.2); short protein forms E33D.
Identifiers: ClinVar variation 5036321 (VCV005036321.1).